The following is an entry in ClinVar:

NM_001040108.2(MLH3):c.3226G>C (p.Ala1076Pro)

Gene: MLH3 (mutL homolog 3; minus strand). Cytogenetic location: 14q24.3.
Variant type: single nucleotide variant.
Coding change: c.3226G>C on transcript NM_001040108.2 (MANE Select); coding-DNA position 3226, G replaced by C.
Protein change: p.Ala1076Pro; replaces alanine 1076 with proline.
Molecular consequence: missense variant.
Genome position (GRCh38, 1-based): chr14:75,046,430, C>G on the plus strand (G>C on the coding strand, the complement: MLH3 is on the minus strand). VCF-style: chr14-75046430-C-G. GRCh37 (hg19) VCF-style: chr14-75513133-C-G.
Other names: c.3226G>C, p.Ala1076Pro (NM_014381.3); short protein forms A1076P.
Identifiers: ClinVar variation 2833649 (VCV002833649.3), dbSNP rs1016240480, ClinGen allele CA390434623.
Genomic context (GRCh38, chr14:75,046,430, plus strand): 5'-ACTTACCATTCTCAAGTACAACATCCACAGCCACAGTTGTCAGGTCTTTAGTACAAGCAG[C>G]CTGAATGTCCTCAGTTGGGGCAATGAATGTGCTGAGTCCAGTCATTTTGTTGACATAAAC-3'
Protein context (NP_001035197.1, residues 1066-1086): TFIAPTEDIQ[Ala1076Pro]ACTKDLTTVA

ClinVar aggregate classification (germline): Uncertain significance (1 of 4 stars; one submission).

Conditions:
Colorectal cancer, hereditary nonpolyposis, type 7. Identifiers: Orphanet 144, MedGen C1858380, MONDO:0013725, OMIM 614385.

Submission:

Labcorp Genetics (formerly Invitae), Labcorp
Classification: Uncertain significance for Colorectal cancer, hereditary nonpolyposis, type 7. Last evaluated: 2023-02-01. Review status: criteria provided, single submitter. Criteria: Invitae Variant Classification Sherloc (09022015). Collection method: clinical testing. Allele origin: germline.
Comment: In summary, the available evidence is currently insufficient to determine the role of this variant in disease. Therefore, it has been classified as a Variant of Uncertain Significance. Algorithms developed to predict the effect of missense changes on protein structure and function are either unavailable or do not agree on the potential impact of this missense change (SIFT: "Tolerated"; PolyPhen-2: "Possibly Damaging"; Align-GVGD: "Class C0"). This variant has not been reported in the literature in individuals affected with MLH3-related conditions. This variant is not present in population databases (gnomAD no frequency). This sequence change replaces alanine, which is neutral and non-polar, with proline, which is neutral and non-polar, at codon 1076 of the MLH3 protein (p.Ala1076Pro).